The following is an entry in ClinVar:

NM_001267550.2(TTN):c.80135_80159dup (p.Ile26720fs)

Genes: TTN (titin; minus strand), TTN-AS1 (TTN antisense RNA 1; plus strand). Cytogenetic location: 2q31.2.
Variant type: Duplication.
Coding change: c.80135_80159dup on transcript NM_001267550.2 (MANE Select); coding-DNA positions 80135 to 80159, 25 bases duplicated (GGGCAAAGGTCAAGAACTATGTGAT).
Protein change: p.Ile26720fs; shifts the reading frame from isoleucine 26720.
Molecular consequence: frameshift variant.
Genome position (GRCh38, 1-based): chr2:178,565,973-178,565,997, ATCACATAGTTCTTGACCTTTGCCC duplicated on the plus strand (GGGCAAAGGTCAAGAACTATGTGAT on the coding strand, the reverse complement: TTN is on the minus strand). VCF-style (leftmost placement, unchanged base first): chr2-178565972-A-AATCACATAGTTCTTGACCTTTGCCC. GRCh37 (hg19) VCF-style: chr2-179430699-A-AATCACATAGTTCTTGACCTTTGCCC.
Other names: c.75212_75236dup, p.Ile25079fs (NM_001256850.1); c.52940_52964dup, p.Ile17655fs (NM_003319.4); c.72431_72455dup, p.Ile24152fs (NM_133378.4); c.53315_53339dup, p.Ile17780fs (NM_133432.3); c.53516_53540dup, p.Ile17847fs (NM_133437.4); short protein forms I17655fs, I17780fs, I17847fs, I24152fs, I25079fs, I26720fs.
Identifiers: ClinVar variation 3756715 (VCV003756715.2).

ClinVar aggregate classification (germline): Likely pathogenic (1 of 4 stars; one submission).

Conditions:
Dilated cardiomyopathy 1G (CMD1G). Identifiers: Orphanet 154, MedGen C1858763, MONDO:0011400, OMIM 604145.
Autosomal recessive limb-girdle muscular dystrophy type 2J (LGMDR10). Also called: Limb-girdle muscular dystrophy, type 2J; MUSCULAR DYSTROPHY, LIMB-GIRDLE, AUTOSOMAL RECESSIVE 10. Identifiers: Orphanet 140922, MedGen C1837342, MONDO:0012127, OMIM 608807.

Submission:

Labcorp Genetics (formerly Invitae), Labcorp
Classification: Likely pathogenic for Dilated cardiomyopathy 1G; Autosomal recessive limb-girdle muscular dystrophy type 2J. Last evaluated: 2024-06-06. Review status: criteria provided, single submitter. Criteria: Invitae Variant Classification Sherloc (09022015). Collection method: clinical testing. Allele origin: germline.
Comment: This sequence change creates a premature translational stop signal (p.Ile26720Metfs*10) in the TTN gene. While this is not anticipated to result in nonsense mediated decay, it is expected to create a truncated TTN protein. This variant is not present in population databases (gnomAD no frequency). This premature translational stop signal has been observed in individual(s) with dilated cardiomyopathy (Invitae). This variant is located in the A band of TTN (PMID: 25589632). Truncating variants in this region are significantly overrepresented in patients affected with dilated cardiomyopathy (PMID: 25589632). Truncating variants in this region have also been reported in individuals affected with autosomal recessive centronuclear myopathy (PMID: 23975875). In summary, the currently available evidence indicates that the variant is pathogenic, but additional data are needed to prove that conclusively. Therefore, this variant has been classified as Likely Pathogenic.

Literature cited by the submitters: PubMed 25589632; PubMed 23975875.